The following is an entry in ClinVar:

ClinVar aggregate classification (germline): Uncertain significance. Review status: criteria provided, multiple submitters, no conflicts (2 of 4 stars). 2 submissions from 2 submitters: Uncertain significance (2). Last evaluated 2025-05-23.

Conditions:
Hereditary cancer-predisposing syndrome. Also called: Neoplastic Syndromes, Hereditary; Tumor predisposition; Hereditary Cancer Syndrome; Hereditary neoplastic syndrome. Identifiers: Orphanet 140162, MedGen C0027672, MeSH D009386, MONDO:0015356.
Cardiovascular phenotype. Identifiers: MedGen CN230736.

gnomAD v4.1: 1 of 1,614,166 alleles (0.000062%); highest among the groups gnomAD compares: Non-Finnish European, 0.000085%; no homozygotes.

Submissions (2):

Labcorp Genetics (formerly Invitae), Labcorp
Classification: Uncertain significance. Last evaluated: 2025-05-23. Review status: criteria provided, single submitter. Criteria: Invitae Variant Classification Sherloc (09022015). Collection method: clinical testing. Allele origin: germline.
Comment: This sequence change replaces arginine, which is basic and polar, with serine, which is neutral and polar, at codon 118 of the LZTR1 protein (p.Arg118Ser). This variant is not present in population databases (gnomAD no frequency). This variant has not been reported in the literature in individuals affected with LZTR1-related conditions. ClinVar contains an entry for this variant (Variation ID: 1732341). Invitae Evidence Modeling of protein sequence and biophysical properties (such as structural, functional, and spatial information, amino acid conservation, physicochemical variation, residue mobility, and thermodynamic stability) indicates that this missense variant is not expected to disrupt LZTR1 protein function with a negative predictive value of 80%. In summary, the available evidence is currently insufficient to determine the role of this variant in disease. Therefore, it has been classified as a Variant of Uncertain Significance.

Ambry Genetics
Classification: Uncertain significance for Cardiovascular phenotype; Hereditary cancer-predisposing syndrome. Last evaluated: 2021-09-28. Review status: criteria provided, single submitter. Criteria: Ambry Variant Classification Scheme 2023. Collection method: clinical testing. Allele origin: germline.
Comment: The p.R118S variant (also known as c.352C>A), located in coding exon 4 of the LZTR1 gene, results from a C to A substitution at nucleotide position 352. The arginine at codon 118 is replaced by serine, an amino acid with dissimilar properties. This amino acid position is highly conserved in available vertebrate species. In addition, this alteration is predicted to be deleterious by in silico analysis. Since supporting evidence is limited at this time, the clinical significance of this alteration remains unclear.

NM_006767.4(LZTR1):c.352C>A (p.Arg118Ser)

Gene: LZTR1 (leucine zipper like post translational regulator 1; plus strand). Cytogenetic location: 22q11.21.
Variant type: single nucleotide variant.
Coding change: c.352C>A on transcript NM_006767.4 (MANE Select); coding-DNA position 352, C replaced by A.
Protein change: p.Arg118Ser; replaces arginine 118 with serine.
Molecular consequence: missense variant.
Genome position (GRCh38, 1-based): chr22:20,987,535, C>A. VCF-style: chr22-20987535-C-A. GRCh37 (hg19) VCF-style: chr22-21341824-C-A.
Other names: short protein forms R118S.
Identifiers: ClinVar variation 1732341 (VCV001732341.5), dbSNP rs749587390, ClinGen allele CA410779315.